The following is an entry in ClinVar:

NM_014915.3(ANKRD26):c.2032A>G (p.Ile678Val)

Gene: ANKRD26 (ankyrin repeat domain containing 26; minus strand). Cytogenetic location: 10p12.1.
Variant type: single nucleotide variant.
Coding change: c.2032A>G on transcript NM_014915.3 (MANE Select); coding-DNA position 2032, A replaced by G.
Protein change: p.Ile678Val; replaces isoleucine 678 with valine.
Molecular consequence: missense variant.
Genome position (GRCh38, 1-based): chr10:27,043,555, T>C on the plus strand (A>G on the coding strand, the complement: ANKRD26 is on the minus strand). VCF-style: chr10-27043555-T-C. GRCh37 (hg19) VCF-style: chr10-27332484-T-C.
Other names: c.2029A>G, p.Ile677Val (NM_001256053.2); short protein forms I678V, I677V.
Identifiers: ClinVar variation 3912273 (VCV003912273.1).
Genomic context (GRCh38, chr10:27,043,555, plus strand): 5'-AATCCTCTGAGGCTGTTTCAGATGACTGAGTTAAGTCATCAACATCATCCATAGACTGTA[T>C]TTGGTTTTTGACCTATGAAATAAATAACACTGTTTCAAAATGTCCCCAGAATATTTATAG-3'
Protein context (NP_055730.2, residues 668-688): SNEKNKVKNQ[Ile678Val]QSMDDVDDLT

ClinVar aggregate classification (germline): Uncertain significance (1 of 4 stars; one submission).

Conditions:
Inborn genetic diseases. Identifiers: MedGen C0950123, MeSH D030342.

gnomAD v4.1: 1 of 1,613,748 alleles (0.000062%); highest among the groups gnomAD compares: East Asian, 0.0022%; no homozygotes.

Submission:

Ambry Genetics
Classification: Uncertain significance for Inborn genetic diseases. Last evaluated: 2025-05-31. Review status: criteria provided, single submitter. Criteria: Ambry Variant Classification Scheme 2023. Collection method: clinical testing. Allele origin: germline.
Comment: The p.I678V variant (also known as c.2032A>G), located in coding exon 20 of the ANKRD26 gene, results from an A to G substitution at nucleotide position 2032. The isoleucine at codon 678 is replaced by valine, an amino acid with highly similar properties. This amino acid position is conserved. In addition, this alteration is predicted to be tolerated by in silico analysis. Based on the available evidence, the clinical significance of this variant remains unclear.